The following is an entry in ClinVar:

NM_005573.4(LMNB1):c.154A>G (p.Ser52Gly)

Gene: LMNB1 (lamin B1; plus strand). Cytogenetic location: 5q23.2.
Variant type: single nucleotide variant.
Coding change: c.154A>G on transcript NM_005573.4 (MANE Select); coding-DNA position 154, A replaced by G.
Protein change: p.Ser52Gly; replaces serine 52 with glycine.
Molecular consequence: missense variant. On other transcripts: non-coding transcript variant (1), intron variant (1).
Genome position (GRCh38, 1-based): chr5:126,777,662, A>G. VCF-style: chr5-126777662-A-G. GRCh37 (hg19) VCF-style: chr5-126113354-A-G.
Other names: c.-272+418A>G (NM_001198557.2); short protein forms S52G.
Identifiers: ClinVar variation 2047024 (VCV002047024.5), dbSNP rs546757986, ClinGen allele CA3390421.

ClinVar aggregate classification (germline): Conflicting classifications of pathogenicity. Review status: criteria provided, conflicting classifications (1 of 4 stars). 2 submissions from 2 submitters: Uncertain significance (1); Likely benign (1). Last evaluated 2023-04-12.

Conditions:
Inborn genetic diseases. Identifiers: MedGen C0950123, MeSH D030342.

Allele frequency attached by ClinVar (database versions not stated): ExAC 0.00007; gnomAD 0.00014; 1000 Genomes Project 30x 0.00031; TOPMed 0.00015.
gnomAD v4.1: 305 of 1,544,762 alleles (0.02%); highest among the groups gnomAD compares: Non-Finnish European, 0.025%; no homozygotes.

Submissions (2):

Labcorp Genetics (formerly Invitae), Labcorp
Classification: Uncertain significance. Last evaluated: 2023-04-12. Review status: criteria provided, single submitter. Criteria: Invitae Variant Classification Sherloc (09022015). Collection method: clinical testing. Allele origin: germline.
Comment: ClinVar contains an entry for this variant (Variation ID: 2047024). Advanced modeling of protein sequence and biophysical properties (such as structural, functional, and spatial information, amino acid conservation, physicochemical variation, residue mobility, and thermodynamic stability) performed at Invitae indicates that this missense variant is not expected to disrupt LMNB1 protein function. In summary, the available evidence is currently insufficient to determine the role of this variant in disease. Therefore, it has been classified as a Variant of Uncertain Significance. This variant has not been reported in the literature in individuals affected with LMNB1-related conditions. This sequence change replaces serine, which is neutral and polar, with glycine, which is neutral and non-polar, at codon 52 of the LMNB1 protein (p.Ser52Gly). This variant is present in population databases (rs546757986, gnomAD 0.03%), and has an allele count higher than expected for a pathogenic variant.

Ambry Genetics
Classification: Likely benign for Inborn genetic diseases. Last evaluated: 2022-11-18. Review status: criteria provided, single submitter. Criteria: Ambry Variant Classification Scheme 2023. Collection method: clinical testing. Allele origin: germline.